The following is an entry in ClinVar:

ClinVar aggregate classification (germline): Uncertain significance. Review status: reviewed by expert panel (3 of 4 stars). 2 submissions from 2 submitters: Uncertain significance (1). 1 of the submissions does not count toward it. Last evaluated 2025-03-26.

Conditions:
Hereditary thrombocytopenia and hematologic cancer predisposition syndrome. Identifiers: Orphanet 71290, MedGen CN281654, MONDO:0011071.
Hereditary thrombocytopenia and hematological cancer predisposition syndrome associated with RUNX1. Also called: Familial Platelet Disorder with Propensity to Acute Myelogenous Leukemia; Familial thrombocytopenia with propensity to acute myelogenous leukemia; PLATELET DISORDER, ASPIRIN-LIKE; RUNX1 Familial Platelet Disorder with Associated Myeloid Malignancies. Identifiers: Orphanet 71290, MedGen C1832388, MeSH C563324, MONDO:0100083, OMIM 601399.

Submissions (2):

ClinGen Myeloid Malignancy Variant Curation Expert Panel
Classification: Uncertain significance for Hereditary thrombocytopenia and hematologic cancer predisposition syndrome. Last evaluated: 2025-03-26. Review status: reviewed by expert panel. Criteria: ClinGen MyeloMalig ACMG Specifications v2. Collection method: curation. Allele origin: germline. Inheritance: Autosomal dominant inheritance.
Comment: NM_001754.5(RUNX1):c.298T>A (p.Ser100Thr) is a missense variant which is completely absent from all population databases with at least 20x coverage for RUNX1 (PM2_supporting). This missense variant is located within the Runt Homology Domain (AA 89-204), but does not occur in an established hotspot residue (PM1_supporting). In summary, the clinical significance of this variant is uncertain. ACMG/AMP criteria applied, as specified by the Myeloid Malignancy Variant Curation Expert Panel for RUNX1: PM1_supporting, PM2_supporting.

Labcorp Genetics (formerly Invitae), Labcorp
Classification: Uncertain significance for Hereditary thrombocytopenia and hematological cancer predisposition syndrome associated with RUNX1. Last evaluated: 2024-05-22. Review status: criteria provided, single submitter. Criteria: Invitae Variant Classification Sherloc (09022015). Collection method: clinical testing. Allele origin: germline. Not counted in ClinVar's aggregate classification.
Comment: This sequence change replaces serine, which is neutral and polar, with threonine, which is neutral and polar, at codon 100 of the RUNX1 protein (p.Ser100Thr). This variant is not present in population databases (gnomAD no frequency). This variant has not been reported in the literature in individuals affected with RUNX1-related conditions. Advanced modeling of protein sequence and biophysical properties (such as structural, functional, and spatial information, amino acid conservation, physicochemical variation, residue mobility, and thermodynamic stability) has been performed at Invitae for this missense variant, however the output from this modeling did not meet the statistical confidence thresholds required to predict the impact of this variant on RUNX1 protein function. In summary, the available evidence is currently insufficient to determine the role of this variant in disease. Therefore, it has been classified as a Variant of Uncertain Significance.

NM_001754.5(RUNX1):c.298T>A (p.Ser100Thr)

Gene: RUNX1 (RUNX family transcription factor 1; minus strand). Cytogenetic location: 21q22.12.
Variant type: single nucleotide variant.
Coding change: c.298T>A on transcript NM_001754.5 (MANE Select); coding-DNA position 298, T replaced by A.
Protein change: p.Ser100Thr; replaces serine 100 with threonine.
Molecular consequence: missense variant.
Genome position (GRCh38, 1-based): chr21:34,886,896, A>T on the plus strand (T>A on the coding strand, the complement: RUNX1 is on the minus strand). VCF-style: chr21-34886896-A-T. GRCh37 (hg19) VCF-style: chr21-36259193-A-T.
Other names: NM_001754.5(RUNX1):c.298T>A; p.Ser100Thr; c.217T>A, p.Ser73Thr (NM_001001890.3, NM_001122607.2); short protein forms S100T, S73T.
Identifiers: ClinVar variation 3607919 (VCV003607919.3).
Genomic context (GRCh38, chr21:34,886,896, plus strand): 5'-CCAGTACCTTGAAAGCGATGGGCAGGGTCTTGTTGCAGCGCCAGTGCGTAGGCAGCACGG[A>T]GCAGAGGAAGTTGGGGCTGTCGGTGCGCACCAGCTCGCCCGGGTGGTCGGCCAGCACCTC-3'
Protein context (NP_001745.2, residues 90-110): VRTDSPNFLC[Ser100Thr]VLPTHWRCNK